The following is an entry in ClinVar:

NM_000059.4(BRCA2):c.2572A>T (p.Arg858Ter)

Gene: BRCA2 (BRCA2 DNA repair associated; plus strand). Cytogenetic location: 13q13.1.
Variant type: single nucleotide variant.
Coding change: c.2572A>T on transcript NM_000059.4 (MANE Select); coding-DNA position 2572, A replaced by T.
Protein change: p.Arg858Ter; replaces arginine 858 with a stop codon.
Molecular consequence: nonsense. On other transcripts: non-coding transcript variant (1), intron variant (2).
Genome position (GRCh38, 1-based): chr13:32,336,927, A>T. VCF-style: chr13-32336927-A-T. GRCh37 (hg19) VCF-style: chr13-32911064-A-T.
Other names: c.2572A>T, p.Arg858Ter (NM_001406719.1, NM_001406720.1, NM_001432077.1); c.1909+3540A>T (NM_001406721.1); c.424+5897A>T (NM_001406722.1); short protein forms R858*.
Identifiers: ClinVar variation 3904156 (VCV003904156.1).

ClinVar aggregate classification (germline): Pathogenic (1 of 4 stars; one submission).

Conditions:
Breast-ovarian cancer, familial, susceptibility to, 2 (BROVCA2). Also called: BRCA2 Hereditary Breast and Ovarian Cancer. Identifiers: Orphanet 145, MedGen C2675520, MONDO:0012933, OMIM 612555. Disease mechanism: loss of function.

Submission:

Myriad Genetics, Inc.
Classification: Pathogenic for Breast-ovarian cancer, familial, susceptibility to, 2. Last evaluated: 2024-12-30. Review status: criteria provided, single submitter. Criteria: Myriad Autosomal Dominant, Autosomal Recessive and X-Linked Classification Criteria (2023). Collection method: clinical testing. Allele origin: unknown.
Comment: This variant is considered pathogenic. This variant creates a termination codon and is predicted to result in premature protein truncation.